The following is an entry in ClinVar:

NM_178857.6(RP1L1):c.130C>G (p.Pro44Ala)

Gene: RP1L1 (RP1 like 1). Cytogenetic location: 8p23.1.
Variant type: single nucleotide variant.
Coding change: c.130C>G on transcript NM_178857.6 (MANE Select); coding-DNA position 130, C replaced by G.
Protein change: p.Pro44Ala; replaces proline 44 with alanine.
Molecular consequence: missense variant.
Genome position (GRCh38, 1-based): chr8:10,623,072, G>C on the plus strand (C>G on the coding strand, the complement: RP1L1 is on the minus strand). VCF-style: chr8-10623072-G-C. GRCh37 (hg19) VCF-style: chr8-10480582-G-C.
Other names: short protein forms P44A.
Identifiers: ClinVar variation 361425 (VCV000361425.39), dbSNP rs140397694, ClinGen allele CA4625864.
Genomic context (GRCh38, chr8:10,623,072, plus strand): 5'-GGGCGCTGAAGGTCTTAAAGGCGCGCTGGTGAACGGCCAGGCGGACCCCAGCAAACCGTG[G>C]ATCCCCTCGCTTGAGGAAGGTGATCTTCTTGGCTGGCGTGACCTTGGTGACCGAGGGGGT-3'
Protein context (NP_849188.4, residues 34-54): KKITFLKRGD[Pro44Ala]RFAGVRLAVH

ClinVar aggregate classification (germline): Benign. Review status: criteria provided, multiple submitters, no conflicts (2 of 4 stars). 4 submissions from 4 submitters: Benign (4). Last evaluated 2026-03-01.

Conditions:
Occult macular dystrophy (OCMD). Also called: OMD; OCCULT MACULAR DYSTROPHY, SUSCEPTIBILITY TO. Identifiers: Orphanet 247834, MedGen C3150833, MONDO:0013316, OMIM 613587, HP:0030636.

Allele frequency attached by ClinVar (database versions not stated): 1000 Genomes Project 0.00839; 1000 Genomes Project 30x 0.00843; gnomAD 0.00951 and 0.00956; ESP Exome Variant Server 0.01088; gnomAD exomes 0.01111; TOPMed 0.01134; ExAC 0.01194.
gnomAD v4.1: 21,332 of 1,614,072 alleles (1.3%); highest among the groups gnomAD compares: Middle Eastern, 3%; 202 homozygotes.

Submissions (4):

CeGaT Center for Human Genetics Tuebingen
Classification: Benign. Last evaluated: 2026-03-01. Review status: criteria provided, single submitter. Criteria: CeGaT Center For Human Genetics Tuebingen Variant Classification Criteria Version 2. Collection method: clinical testing. Allele origin: germline. Affected: yes. Observed: 13 variant alleles.
Comment: RP1L1: BP4, BS1, BS2

Labcorp Genetics (formerly Invitae), Labcorp
Classification: Benign. Last evaluated: 2026-02-03. Review status: criteria provided, single submitter. Criteria: Invitae Variant Classification Sherloc (09022015). Collection method: clinical testing. Allele origin: germline.

Illumina Laboratory Services, Illumina
Classification: Benign for Occult macular dystrophy. Last evaluated: 2018-01-12. Review status: criteria provided, single submitter. Criteria: ICSL Variant Classification Criteria 13 December 2019. Collection method: clinical testing. Allele origin: germline.
Comment: This variant was observed in the ICSL laboratory as part of a predisposition screen in an ostensibly healthy population. It had not been previously curated by ICSL or reported in the Human Gene Mutation Database (HGMD: prior to June 1st, 2018), and was therefore a candidate for classification through an automated scoring system. Utilizing variant allele frequency, disease prevalence and penetrance estimates, and inheritance mode, an automated score was calculated to assess if this variant is too frequent to cause the disease. Based on the score and internal cut-off values, a variant classified as benign is not then subjected to further curation. The score for this variant resulted in a classification of benign for this disease.

Breakthrough Genomics
Classification: Benign. Review status: criteria provided, single submitter. Criteria: ACMG Guidelines, 2015. Collection method: not provided. Allele origin: germline. Inheritance: Autosomal recessive inheritance. Affected: yes.